The following is an entry in ClinVar:

ClinVar aggregate classification (germline): Pathogenic (1 of 4 stars; one submission).

Conditions:
Mucopolysaccharidosis, MPS-II (MPS2). Also called: Hunter Syndrome; IDURONATE 2-SULFATASE DEFICIENCY; Mucopolysaccharidosis Type II; Mucopolysaccharidosis type 2; Attenuated MPS (subtype; formerly known as mild MPS II); Severe MPS II. Identifiers: Orphanet 580, Orphanet 79388, MedGen C0026705, MONDO:0010674, OMIM 309900.

Submission:

Laboratory of Diagnosis and Therapy of Lysosomal Disorders, University of Padova
Classification: Pathogenic for Mucopolysaccharidosis, MPS-II. Last evaluated: 2024-06-07. Review status: criteria provided, single submitter. Criteria: ACMG Guidelines, 2015. Collection method: literature only. Allele origin: germline. Affected: yes. Observed: 2 variant alleles.
Comment: In vitro or in vivo functional studies supportive of a damaging effect (PS3_Strong), Absent from controls (or at low frequency) in gnomAD database (PM2_Moderate), Protein length changes in a nonrepeat region or stop–loss variants (PM4_Moderate), Multiple lines of computational evidence support a deleterious effect (PP3_Supporting), Patient’s phenotype or family history highly specific for the disease (PP4_Moderate)

Classification method: ACMG Guidelines [PMID:25741868] with modifications

Literature cited by the submitters: PubMed 16480701; PubMed 31877959.

NM_000202.8(IDS):c.1060_1071del (p.Ala354_Val357del)

Genes: IDS (iduronate 2-sulfatase; minus strand), LOC106050102 (IDS recombination region; plus strand). Cytogenetic location: Xq28.
Variant type: Deletion.
Coding change: c.1060_1071del on transcript NM_000202.8 (MANE Select); coding-DNA positions 1060 to 1071, 12 bases deleted (GCTACCCATGTT).
Protein change: p.Ala354_Val357del.
Molecular consequence: inframe deletion.
Genome position (GRCh38, 1-based): chrX:149,487,034-149,487,045, AACATGGGTAGC deleted on the plus strand (GCTACCCATGTT on the coding strand, the reverse complement: IDS is on the minus strand); deleting any 12 consecutive bases within chrX:149,487,034-149,487,050 gives the same sequence; the c. name uses the placement nearest the transcript's 3' end. VCF-style (leftmost placement, unchanged base first): chrX-149487033-GAACATGGGTAGC-G. GRCh37 (hg19) VCF-style: chrX-148568564-GAACATGGGTAGC-G.
Other names: c.790_801del, p.Ala264_Val267del (NM_001166550.4).
Identifiers: ClinVar variation 3255956 (VCV003255956.2).
Genomic context (GRCh38, chrX:149,487,033, plus strand): 5'-AAAGCTTCTCGCCTGCCTCCGGAAGTGAAGCCGTCCTTCCAGGAACATAGAATATCAGGG[GAACATGGGTAGC>G]AACATCAAAATTGCTGTATTTGGCCCATTCTCCATGTTCACCTAGAGCCCACCCTAGTTC-3'